The following is an entry in ClinVar:

ClinVar aggregate classification (germline): Uncertain significance (1 of 4 stars; one submission).

Conditions:
Hypertrophic cardiomyopathy. Also called: HYPERTROPHIC MYOCARDIOPATHY. Identifiers: Orphanet 217569, MedGen C0007194, MeSH D002312, MONDO:0005045, HP:0001639.

Submission:

Labcorp Genetics (formerly Invitae), Labcorp
Classification: Uncertain significance for Hypertrophic cardiomyopathy. Last evaluated: 2023-08-10. Review status: criteria provided, single submitter. Criteria: Invitae Variant Classification Sherloc (09022015). Collection method: clinical testing. Allele origin: germline.
Comment: ClinVar contains an entry for this variant (Variation ID: 2080604). In summary, the available evidence is currently insufficient to determine the role of this variant in disease. Therefore, it has been classified as a Variant of Uncertain Significance. Advanced modeling of protein sequence and biophysical properties (such as structural, functional, and spatial information, amino acid conservation, physicochemical variation, residue mobility, and thermodynamic stability) performed at Invitae indicates that this missense variant is not expected to disrupt MYOZ2 protein function. This variant has not been reported in the literature in individuals affected with MYOZ2-related conditions. This variant is not present in population databases (gnomAD no frequency). This sequence change replaces glycine, which is neutral and non-polar, with serine, which is neutral and polar, at codon 228 of the MYOZ2 protein (p.Gly228Ser).

NM_016599.5(MYOZ2):c.682G>A (p.Gly228Ser)

Gene: MYOZ2 (myozenin 2; plus strand). Cytogenetic location: 4q26.
Variant type: single nucleotide variant.
Coding change: c.682G>A on transcript NM_016599.5 (MANE Select); coding-DNA position 682, G replaced by A.
Protein change: p.Gly228Ser; replaces glycine 228 with serine.
Molecular consequence: missense variant.
Genome position (GRCh38, 1-based): chr4:119,186,087, G>A. VCF-style: chr4-119186087-G-A. GRCh37 (hg19) VCF-style: chr4-120107242-G-A.
Other names: short protein forms G228S.
Identifiers: ClinVar variation 2080604 (VCV002080604.4), dbSNP rs2529809764, ClinGen allele CA358202164.